The following is an entry in ClinVar:

ClinVar aggregate classification (germline): Uncertain significance (1 of 4 stars; one submission).

Conditions:
Cardiovascular phenotype. Identifiers: MedGen CN230736.

gnomAD v4.1: 1 of 1,614,108 alleles (0.000062%); highest among the groups gnomAD compares: East Asian, 0.0022%; no homozygotes.

Submission:

Ambry Genetics
Classification: Uncertain significance for Cardiovascular phenotype. Last evaluated: 2024-09-02. Review status: criteria provided, single submitter. Criteria: Ambry Variant Classification Scheme 2023. Collection method: clinical testing. Allele origin: germline.
Comment: The p.R84L variant (also known as c.251G>T), located in coding exon 3 of the SCN2B gene, results from a G to T substitution at nucleotide position 251. The arginine at codon 84 is replaced by leucine, an amino acid with dissimilar properties. This amino acid position is conserved. In addition, this alteration is predicted to be tolerated by in silico analysis. Based on the available evidence, the clinical significance of this variant remains unclear.

NM_004588.5(SCN2B):c.251G>T (p.Arg84Leu)

Gene: SCN2B (sodium voltage-gated channel beta subunit 2; minus strand). Cytogenetic location: 11q23.3.
Variant type: single nucleotide variant.
Coding change: c.251G>T on transcript NM_004588.5 (MANE Select); coding-DNA position 251, G replaced by T.
Protein change: p.Arg84Leu; replaces arginine 84 with leucine.
Molecular consequence: missense variant.
Genome position (GRCh38, 1-based): chr11:118,168,282, C>A on the plus strand (G>T on the coding strand, the complement: SCN2B is on the minus strand). VCF-style: chr11-118168282-C-A. GRCh37 (hg19) VCF-style: chr11-118038997-C-A.
Other names: short protein forms R84L.
Identifiers: ClinVar variation 3438212 (VCV003438212.1).